The following is an entry in ClinVar:

NM_025114.4(CEP290):c.3265C>T (p.Gln1089Ter)

Gene: CEP290 (centrosomal protein 290; minus strand). Cytogenetic location: 12q21.32.
Variant type: single nucleotide variant.
Coding change: c.3265C>T on transcript NM_025114.4 (MANE Select); coding-DNA position 3265, C replaced by T.
Protein change: p.Gln1089Ter; replaces glutamine 1089 with a stop codon.
Molecular consequence: nonsense.
Genome position (GRCh38, 1-based): chr12:88,093,814, G>A on the plus strand (C>T on the coding strand, the complement: CEP290 is on the minus strand). VCF-style: chr12-88093814-G-A. GRCh37 (hg19) VCF-style: chr12-88487591-G-A.
Other names: short protein forms Q1089*.
Identifiers: ClinVar variation 2925498 (VCV002925498.3), dbSNP rs2500271417, ClinGen allele CA386005923.

ClinVar aggregate classification (germline): Pathogenic (1 of 4 stars; one submission).

Conditions:
Joubert syndrome. Also called: CEREBELLOPARENCHYMAL DISORDER IV; JOUBERT-BOLTSHAUSER SYNDROME; Familial aplasia of the vermis. Identifiers: Orphanet 475, MedGen C5979921, MONDO:0018772.
Nephronophthisis. Also called: Juvenile Nephronophthisis. Identifiers: Orphanet 655, MedGen C0687120, MONDO:0019005, HP:0000090.
Meckel-Gruber syndrome. Also called: DYSENCEPHALIA SPLANCHNOCYSTICA; GRUBER SYNDROME; Dysencephalia splachnocystica. Identifiers: Orphanet 564, MedGen C0265215, MONDO:0018921.

Submission:

Labcorp Genetics (formerly Invitae), Labcorp
Classification: Pathogenic for Joubert syndrome; Meckel-Gruber syndrome; Nephronophthisis. Last evaluated: 2023-03-08. Review status: criteria provided, single submitter. Criteria: Invitae Variant Classification Sherloc (09022015). Collection method: clinical testing. Allele origin: germline.
Comment: For these reasons, this variant has been classified as Pathogenic. Algorithms developed to predict the effect of sequence changes on RNA splicing suggest that this variant may disrupt the consensus splice site. This premature translational stop signal has been observed in individual(s) with Leber congenital amaurosis (PMID: 23661368). This variant is not present in population databases (gnomAD no frequency). This sequence change creates a premature translational stop signal (p.Gln1089*) in the CEP290 gene. It is expected to result in an absent or disrupted protein product. Loss-of-function variants in CEP290 are known to be pathogenic (PMID: 16909394, 17345604, 20690115).

Literature cited by the submitters: PubMed 23661368; PubMed 16909394; PubMed 17345604; PubMed 20690115.